The following is an entry in ClinVar:

ClinVar aggregate classification (germline): Benign/Likely benign. Review status: criteria provided, multiple submitters, no conflicts (2 of 4 stars). 4 submissions from 4 submitters: Benign (1); Likely benign (3). Last evaluated 2025-11-04.

Conditions:
Multiple system atrophy 1, susceptibility to. Also called: MSA1, SUSCEPTIBILITY TO. Identifiers: MedGen C3714927, MONDO:0020715, OMIM 146500.
Coenzyme Q10 deficiency, primary, 1. Also called: UBIQUINONE DEFICIENCY 1; COENZYME Q DEFICIENCY 1; CoQ DEFICIENCY 1. Identifiers: Orphanet 255249, MedGen C3551954, MONDO:0011829, OMIM 607426.

Allele frequency attached by ClinVar (database versions not stated): gnomAD 0.00001; TOPMed 0.00001; ExAC 0.00002.
gnomAD v4.1: 30 of 1,531,540 alleles (0.002%); highest among the groups gnomAD compares: Middle Eastern, 0.017%; no homozygotes.

Submissions (4):

Labcorp Genetics (formerly Invitae), Labcorp
Classification: Likely benign. Last evaluated: 2025-11-04. Review status: criteria provided, single submitter. Criteria: Invitae Variant Classification Sherloc (09022015). Collection method: clinical testing. Allele origin: germline.

Blueprint Genetics
Classification: Likely benign. Last evaluated: 2024-11-25. Review status: criteria provided, single submitter. Criteria: ACMG Guidelines, 2015. Collection method: clinical testing. Allele origin: germline.

Fulgent Genetics
Classification: Likely benign for Multiple system atrophy 1, susceptibility to; Coenzyme Q10 deficiency, primary, 1. Last evaluated: 2022-05-23. Review status: criteria provided, single submitter. Criteria: ACMG Guidelines, 2015. Collection method: clinical testing. Allele origin: unknown.

GeneDx
Classification: Benign. Last evaluated: 2013-12-30. Review status: criteria provided, single submitter. Criteria: GeneDx Variant Classification (06012015). Collection method: clinical testing. Allele origin: germline. Affected: yes.
Comment: This variant is considered likely benign or benign based on one or more of the following criteria: it is a conservative change, it occurs at a poorly conserved position in the protein, it is predicted to be benign by multiple in silico algorithms, and/or has population frequency not consistent with disease.

NM_001358921.2(COQ2):c.762+14C>A

Gene: COQ2 (coenzyme Q2, polyprenyltransferase; minus strand). Cytogenetic location: 4q21.23.
Variant type: single nucleotide variant.
Coding change: c.762+14C>A on transcript NM_001358921.2 (MANE Select); 14 bases into the intron after coding-DNA position 762, C replaced by A.
Molecular consequence: intron variant.
Genome position (GRCh38, 1-based): chr4:83,269,846, G>T on the plus strand (C>A on the coding strand, the complement: COQ2 is on the minus strand). VCF-style: chr4-83269846-G-T. GRCh37 (hg19) VCF-style: chr4-84190999-G-T.
Other names: c.912+14C>A (NM_015697.9).
Identifiers: ClinVar variation 136974 (VCV000136974.10), dbSNP rs587780909, ClinGen allele CA290424.